The following is an entry in ClinVar:

ClinVar aggregate classification (germline): Uncertain significance. Review status: criteria provided, multiple submitters, no conflicts (2 of 4 stars). 2 submissions from 2 submitters: Uncertain significance (2). Last evaluated 2025-08-21.

Conditions:
Inborn genetic diseases. Identifiers: MedGen C0950123, MeSH D030342.

Allele frequency attached by ClinVar (database versions not stated): gnomAD exomes below 0.00001; TOPMed below 0.00001.
gnomAD v4.1: 1 of 1,614,140 alleles (0.000062%); highest among the groups gnomAD compares: Non-Finnish European, 0.000085%; no homozygotes.

Submissions (2):

Ambry Genetics
Classification: Uncertain significance for Inborn genetic diseases. Last evaluated: 2025-08-21. Review status: criteria provided, single submitter. Criteria: Ambry Variant Classification Scheme 2023. Collection method: clinical testing. Allele origin: germline.

Women's Health and Genetics/Laboratory Corporation of America, LabCorp
Classification: Uncertain significance. Last evaluated: 2024-03-06. Review status: criteria provided, single submitter. Criteria: LabCorp Variant Classification Summary - May 2015. Collection method: clinical testing. Allele origin: germline.
Comment: Variant summary: KMT2C c.12436G>T (p.Gly4146Trp) results in a non-conservative amino acid change in the encoded protein sequence. Four of five in-silico tools predict a damaging effect of the variant on protein function. The variant was absent in 251430 control chromosomes (gnomAD). The available data on variant occurrences in the general population are insufficient to allow any conclusion about variant significance. To our knowledge, no occurrence of c.12436G>T in individuals affected with Kleefstra Syndrome 2 and no experimental evidence demonstrating its impact on protein function have been reported. No submitters have cited clinical-significance assessments for this variant to ClinVar. Based on the evidence outlined above, the variant was classified as uncertain significance.

NM_170606.3(KMT2C):c.12436G>T (p.Gly4146Trp)

Gene: KMT2C (lysine methyltransferase 2C; minus strand). Cytogenetic location: 7q36.1.
Variant type: single nucleotide variant.
Coding change: c.12436G>T on transcript NM_170606.3 (MANE Select); coding-DNA position 12436, G replaced by T.
Protein change: p.Gly4146Trp; replaces glycine 4146 with tryptophan.
Molecular consequence: missense variant.
Genome position (GRCh38, 1-based): chr7:152,152,795, C>A on the plus strand (G>T on the coding strand, the complement: KMT2C is on the minus strand). VCF-style: chr7-152152795-C-A. GRCh37 (hg19) VCF-style: chr7-151849880-C-A.
Other names: c.12436G>T (NM_170606.2); short protein forms G4146W.
Identifiers: ClinVar variation 3233635 (VCV003233635.3), dbSNP rs2091739654, ClinGen allele CA370094888.
Genomic context (GRCh38, chr7:152,152,795, plus strand): 5'-GCTGCTTCAGCCGGTAAGAGCTCACTAATCTGGGAGGGTTTGCAGATCCTGGCGGAGGCC[C>A]ACGGAGAAGTAAATGCTGTCGATACTCCAAACCCGGGTTGATTCTGTGGCTACTGACCAA-3'
Protein context (NP_733751.2, residues 4136-4156): LEYRQHLLLR[Gly4146Trp]PPPGSANPPR